The following is an entry in ClinVar:

NM_003482.4(KMT2D):c.2157G>T (p.Pro719=)

Gene: KMT2D (lysine methyltransferase 2D; minus strand). Cytogenetic location: 12q13.12.
Variant type: single nucleotide variant.
Coding change: c.2157G>T on transcript NM_003482.4 (MANE Select); coding-DNA position 2157, G replaced by T.
Protein change: p.Pro719=; no amino-acid change (proline 719 retained).
Molecular consequence: synonymous variant.
Genome position (GRCh38, 1-based): chr12:49,051,526, C>A on the plus strand (G>T on the coding strand, the complement: KMT2D is on the minus strand). VCF-style: chr12-49051526-C-A. GRCh37 (hg19) VCF-style: chr12-49445309-C-A.
Identifiers: ClinVar variation 3033529 (VCV003033529.16), dbSNP rs568204324, ClinGen allele CA6548329.
Genomic context (GRCh38, chr12:49,051,526, plus strand): 5'-CTCGGACCGGGGGCAGAGTTGCGGCTCCTCAGGTAGTGGCAACAGGGGTGACTCCTCCAG[C>A]GGCAGGGACATGAGCGAGTCCTCCGGTGGTGGGGAAGCAGGTGAGTCCTCAGGTGGTGGG-3'
Protein context (NP_003473.3, residues 709-729): PPPEDSLMSL[Pro719=]LEESPLLPLP

ClinVar aggregate classification (germline): Likely benign. Review status: criteria provided, single submitter (1 of 4 stars). 2 submissions from 2 submitters: Likely benign (1). 1 of the submissions does not count toward it. Last evaluated 2024-09-01.

Conditions:
KMT2D-related disorder. Also called: KMT2D-Related Disorders.

Allele frequency attached by ClinVar (database versions not stated): ExAC 0.00001; gnomAD 0.00001.
gnomAD v4.1: 3 of 1,613,130 alleles (0.00019%); highest among the groups gnomAD compares: Admixed American, 0.0017%; no homozygotes.

Submissions (2):

CeGaT Center for Human Genetics Tuebingen
Classification: Likely benign. Last evaluated: 2024-09-01. Review status: criteria provided, single submitter. Criteria: CeGaT Center For Human Genetics Tuebingen Variant Classification Criteria Version 2. Collection method: clinical testing. Allele origin: germline. Affected: yes. Observed: 1 variant allele.
Comment: KMT2D: BP4, BP7

PreventionGenetics, part of Exact Sciences
Classification: Likely benign for KMT2D-related condition. Last evaluated: 2019-06-13. Review status: no assertion criteria provided. Collection method: clinical testing. Allele origin: germline. Not counted in ClinVar's aggregate classification.
Comment: This variant is classified as likely benign based on ACMG/AMP sequence variant interpretation guidelines (Richards et al. 2015 PMID: 25741868, with internal and published modifications).